The following is an entry in ClinVar:

ClinVar aggregate classification (germline): Benign/Likely benign. Review status: criteria provided, multiple submitters, no conflicts (2 of 4 stars). 3 submissions from 3 submitters: Benign (2); Likely benign (1). Last evaluated 2025-01-02.

Conditions:
ELMOD2-related disorder. Also called: ELMOD2-related condition.

Allele frequency attached by ClinVar (database versions not stated): ESP Exome Variant Server 0.00085; gnomAD exomes 0.00137 and 0.00566; gnomAD 0.00215 and 0.00225; 1000 Genomes Project 0.00319; 1000 Genomes Project 30x 0.00344; TOPMed 0.00371; ExAC 0.00497.
gnomAD v4.1: 2,304 of 1,585,338 alleles (0.15%); highest among the groups gnomAD compares: Admixed American, 2.2%; 28 homozygotes.

Submissions (3):

PreventionGenetics, part of Exact Sciences
Classification: Benign for ELMOD2-related condition. Last evaluated: 2025-01-02. Review status: criteria provided, single submitter. Criteria: ACMG Guidelines, 2015. Collection method: clinical testing. Allele origin: germline.
Comment: This variant is classified as benign based on ACMG/AMP sequence variant interpretation guidelines (Richards et al. 2015 PMID: 25741868, with internal and published modifications).

Blueprint Genetics
Classification: Likely benign. Last evaluated: 2024-11-15. Review status: criteria provided, single submitter. Criteria: ACMG Guidelines, 2015. Collection method: clinical testing. Allele origin: germline.

Laboratory for Molecular Medicine, Mass General Brigham Personalized Medicine
Classification: Benign. Last evaluated: 2015-10-12. Review status: criteria provided, single submitter. Criteria: LMM Criteria. Collection method: clinical testing. Allele origin: germline. Observed: 1 variant allele.
Comment: *9C>T in exon 9 of ELMOD2: This variant is not expected to have clinical signifi cance because it has been identified in 3.0% (359/11216), including 5 homozygote s of Latino chromosomes by the Exome Aggregation Consortium (ExAC; dbSNP rs75824346).

NM_153702.4(ELMOD2):c.*9C>T

Gene: ELMOD2 (ELMO domain containing 2; plus strand). Cytogenetic location: 4q31.1.
Variant type: single nucleotide variant.
Coding change: c.*9C>T on transcript NM_153702.4 (MANE Select); 9 bases downstream of the stop codon, C replaced by T.
Molecular consequence: 3 prime UTR variant.
Genome position (GRCh38, 1-based): chr4:140,550,384, C>T. VCF-style: chr4-140550384-C-T. GRCh37 (hg19) VCF-style: chr4-141471538-C-T.
Identifiers: ClinVar variation 226629 (VCV000226629.6), dbSNP rs75824346, ClinGen allele CA3086570.